The following is an entry in ClinVar:

NM_000089.4(COL1A2):c.2047G>A (p.Ala683Thr)

Gene: COL1A2 (collagen type I alpha 2 chain; plus strand). Cytogenetic location: 7q21.3.
Variant type: single nucleotide variant.
Coding change: c.2047G>A on transcript NM_000089.4 (MANE Select); coding-DNA position 2047, G replaced by A.
Protein change: p.Ala683Thr; replaces alanine 683 with threonine.
Molecular consequence: missense variant.
Genome position (GRCh38, 1-based): chr7:94,419,519, G>A. VCF-style: chr7-94419519-G-A. GRCh37 (hg19) VCF-style: chr7-94048831-G-A.
Other names: short protein forms A683T.
Identifiers: ClinVar variation 3751518 (VCV003751518.2).

ClinVar aggregate classification (germline): Uncertain significance (1 of 4 stars; one submission).

Conditions:
Ehlers-Danlos syndrome, classic type, 1 (EDSCL1). Also called: EHLERS-DANLOS SYNDROME, GRAVIS TYPE; EHLERS-DANLOS SYNDROME, SEVERE CLASSIC TYPE; Ehlers-Danlos syndrome, type 1; Ehlers-Danlos Syndrome, Classic Type, COL5A1-Related; EDS I. Identifiers: MedGen C0268335, MONDO:0019567, OMIM 130000.
Osteogenesis imperfecta type I (OI1). Also called: OI, TYPE I; OSTEOGENESIS IMPERFECTA TARDA; OSTEOGENESIS IMPERFECTA WITH BLUE SCLERAE; Osteogenesis imperfecta type 1; Lobstein's Disease; Lobstein disease. Identifiers: Orphanet 216796, Orphanet 666, MedGen C0023931, MONDO:0008146, OMIM 166200. Disease mechanism: loss of function.

Submission:

Labcorp Genetics (formerly Invitae), Labcorp
Classification: Uncertain significance for Osteogenesis imperfecta type I; Ehlers-Danlos syndrome, classic type, 1. Last evaluated: 2024-12-22. Review status: criteria provided, single submitter. Criteria: Invitae Variant Classification Sherloc (09022015). Collection method: clinical testing. Allele origin: germline.
Comment: This sequence change replaces alanine, which is neutral and non-polar, with threonine, which is neutral and polar, at codon 683 of the COL1A2 protein (p.Ala683Thr). This variant is not present in population databases (gnomAD no frequency). This variant has not been reported in the literature in individuals affected with COL1A2-related conditions. Invitae Evidence Modeling of protein sequence and biophysical properties (such as structural, functional, and spatial information, amino acid conservation, physicochemical variation, residue mobility, and thermodynamic stability) indicates that this missense variant is not expected to disrupt COL1A2 protein function with a negative predictive value of 95%. In summary, the available evidence is currently insufficient to determine the role of this variant in disease. Therefore, it has been classified as a Variant of Uncertain Significance.